The following is an entry in ClinVar:

ClinVar aggregate classification (germline): Likely benign (1 of 4 stars; one submission).

Submission:

CeGaT Center for Human Genetics Tuebingen
Classification: Likely benign. Last evaluated: 2023-12-01. Review status: criteria provided, single submitter. Criteria: CeGaT Center For Human Genetics Tuebingen Variant Classification Criteria Version 2. Collection method: clinical testing. Allele origin: germline. Affected: yes. Observed: 1 variant allele.
Comment: PI4KA: PM2:Supporting, BP4, BP7

NM_058004.4(PI4KA):c.6216T>C (p.Asn2072=)

Gene: PI4KA (phosphatidylinositol 4-kinase alpha; minus strand). Cytogenetic location: 22q11.21.
Variant type: single nucleotide variant.
Coding change: c.6216T>C on transcript NM_058004.4 (MANE Select); coding-DNA position 6216, T replaced by C.
Protein change: p.Asn2072=; no amino-acid change (asparagine 2072 retained).
Molecular consequence: synonymous variant.
Genome position (GRCh38, 1-based): chr22:20,709,337, A>G on the plus strand (T>C on the coding strand, the complement: PI4KA is on the minus strand). VCF-style: chr22-20709337-A-G. GRCh37 (hg19) VCF-style: chr22-21063625-A-G.
Other names: c.6123T>C, p.Asn2041= (NM_001362862.2); c.6150T>C, p.Asn2050= (NM_001362863.2).
Identifiers: ClinVar variation 3026751 (VCV003026751.22), dbSNP rs2517973894, ClinGen allele CA513453598.
Genomic context (GRCh38, chr22:20,709,337, plus strand): 5'-AGGGGGGCGGGGCACTCACCTGTTGCTGAGGAAGCAGCTCTGGATGACCTTCATGATGAA[A>G]TTTGCAGCCTCGCGCTCAGTCATGTTGGGGCTAAACCTGTGCCTGGGGGAGAGGCTGTGT-3'
Protein context (NP_477352.3, residues 2062-2082): SPNMTEREAA[Asn2072=]FIMKVIQSCF